The following is an entry in ClinVar:

ClinVar aggregate classification (germline): Benign (1 of 4 stars; one submission).

Allele frequency attached by ClinVar (database versions not stated): TOPMed 0.12592; 1000 Genomes Project 30x 0.19550; 1000 Genomes Project 0.20567.
gnomAD v4.1: 17,867 of 152,058 alleles (12%); highest among the groups gnomAD compares: East Asian, 49%; 1,551 homozygotes.

Submission:

GeneDx
Classification: Benign. Last evaluated: 2018-06-19. Review status: criteria provided, single submitter. Criteria: GeneDx Variant Classification (06012015). Collection method: clinical testing. Allele origin: germline. Affected: yes.
Comment: This variant is considered likely benign or benign based on one or more of the following criteria: it is a conservative change, it occurs at a poorly conserved position in the protein, it is predicted to be benign by multiple in silico algorithms, and/or has population frequency not consistent with disease.

NM_000023.4(SGCA):c.38-198C>G

Gene: SGCA (sarcoglycan alpha; plus strand). Cytogenetic location: 17q21.33.
Variant type: single nucleotide variant.
Coding change: c.38-198C>G on transcript NM_000023.4 (MANE Select); 198 bases into the intron before coding-DNA position 38, C replaced by G.
Molecular consequence: intron variant.
Genome position (GRCh38, 1-based): chr17:50,167,170, C>G. VCF-style: chr17-50167170-C-G. GRCh37 (hg19) VCF-style: chr17-48244531-C-G.
Other names: c.38-198C>G (NM_001135697.3).
Identifiers: ClinVar variation 669839 (VCV000669839.1), dbSNP rs12939159, ClinGen allele CA291535876.
Genomic context (GRCh38, chr17:50,167,170, plus strand): 5'-ATTAATAGGGGCCTAAAACAAGGAATGGAAAGGTTGTGGGAGAGGTTCTCCCTCGAATCC[C>G]GAAACCCAGACGATTAAAATGTCTAGCCCAGCAGGGCTTGCTCCCCCATCCCCACCCCAA-3'